The following is an entry in ClinVar:

ClinVar aggregate classification (germline): Uncertain significance. Review status: criteria provided, multiple submitters, no conflicts (2 of 4 stars). 3 submissions from 3 submitters: Uncertain significance (3). Last evaluated 2025-09-21.

Conditions:
Hypertrophic cardiomyopathy 14. Identifiers: MedGen C2750467, MONDO:0013197, OMIM 613251.
Cardiovascular phenotype. Identifiers: MedGen CN230736.

Allele frequency attached by ClinVar (database versions not stated): gnomAD exomes 0.00001 and 0.00002; TOPMed 0.00004; gnomAD 0.00005 and 0.00006.
gnomAD v4.1: 19 of 1,614,026 alleles (0.0012%); highest among the groups gnomAD compares: African/African-American, 0.017%; no homozygotes.

Submissions (3):

Labcorp Genetics (formerly Invitae), Labcorp
Classification: Uncertain significance for Hypertrophic cardiomyopathy 14. Last evaluated: 2025-09-21. Review status: criteria provided, single submitter. Criteria: Invitae Variant Classification Sherloc (09022015). Collection method: clinical testing. Allele origin: germline.
Comment: This sequence change replaces valine, which is neutral and non-polar, with methionine, which is neutral and non-polar, at codon 1525 of the MYH6 protein (p.Val1525Met). This variant is present in population databases (no rsID available, gnomAD 0.02%). This variant has not been reported in the literature in individuals affected with MYH6-related conditions. ClinVar contains an entry for this variant (Variation ID: 520263). Invitae Evidence Modeling of protein sequence and biophysical properties (such as structural, functional, and spatial information, amino acid conservation, physicochemical variation, residue mobility, and thermodynamic stability) indicates that this missense variant is not expected to disrupt MYH6 protein function with a negative predictive value of 80%. In summary, the available evidence is currently insufficient to determine the role of this variant in disease. Therefore, it has been classified as a Variant of Uncertain Significance.

Ambry Genetics
Classification: Uncertain significance for Cardiovascular phenotype. Last evaluated: 2025-08-28. Review status: criteria provided, single submitter. Criteria: Ambry Variant Classification Scheme 2023. Collection method: clinical testing. Allele origin: germline.
Comment: The p.V1525M variant (also known as c.4573G>A), located in coding exon 30 of the MYH6 gene, results from a G to A substitution at nucleotide position 4573. The valine at codon 1525 is replaced by methionine, an amino acid with highly similar properties. This amino acid position is poorly conserved in available vertebrate species. In addition, this alteration is predicted to be tolerated by in silico analysis. Since supporting evidence is limited at this time, the clinical significance of this variant remains unclear.

GeneDx
Classification: Uncertain significance. Last evaluated: 2022-01-27. Review status: criteria provided, single submitter. Criteria: GeneDx Variant Classification Process June 2021. Collection method: clinical testing. Allele origin: germline. Affected: yes.
Comment: Has not been previously published as pathogenic or benign to our knowledge; In silico analysis supports that this missense variant does not alter protein structure/function; Reported in ClinVar as a variant of uncertain significance (ClinVar Variant ID 520263; ClinVar)

NM_002471.4(MYH6):c.4573G>A (p.Val1525Met)

Gene: MYH6 (myosin heavy chain 6; minus strand). Cytogenetic location: 14q11.2.
Variant type: single nucleotide variant.
Coding change: c.4573G>A on transcript NM_002471.4 (MANE Select); coding-DNA position 4573, G replaced by A.
Protein change: p.Val1525Met; replaces valine 1525 with methionine.
Molecular consequence: missense variant.
Genome position (GRCh38, 1-based): chr14:23,387,606, C>T on the plus strand (G>A on the coding strand, the complement: MYH6 is on the minus strand). VCF-style: chr14-23387606-C-T. GRCh37 (hg19) VCF-style: chr14-23856815-C-T.
Other names: short protein forms V1525M.
Identifiers: ClinVar variation 520263 (VCV000520263.17), dbSNP rs900579440, ClinGen allele CA257780076.